The following is an entry in ClinVar:

NM_007294.4(BRCA1):c.1819A>T (p.Lys607Ter)

Gene: BRCA1 (BRCA1 DNA repair associated; minus strand). Cytogenetic location: 17q21.31.
Variant type: single nucleotide variant.
Coding change: c.1819A>T on transcript NM_007294.4 (MANE Select); coding-DNA position 1819, A replaced by T.
Protein change: p.Lys607Ter; replaces lysine 607 with a stop codon.
Molecular consequence: nonsense. On other transcripts: intron variant (137).
Genome position (GRCh38, 1-based): chr17:43,093,712, T>A on the plus strand (A>T on the coding strand, the complement: BRCA1 is on the minus strand). VCF-style: chr17-43093712-T-A. GRCh37 (hg19) VCF-style: chr17-41245729-T-A.
Other names: c.1606A>T, p.Lys536Ter (NM_001407571.1, NM_001407853.1, NM_001407894.1 and 9 more transcripts); c.1819A>T, p.Lys607Ter (NM_001407581.1, NM_001407582.1, NM_001407583.1 and 30 more transcripts); c.1816A>T, p.Lys606Ter (NM_001407587.1, NM_001407590.1, NM_001407591.1 and 22 more transcripts); c.1810A>T, p.Lys604Ter (NM_001407646.1, NM_001407647.1); c.1696A>T, p.Lys566Ter (NM_001407648.1, NM_001407664.1, NM_001407665.1 and 19 more transcripts); c.1693A>T, p.Lys565Ter (NM_001407649.1, NM_001407670.1, NM_001407671.1 and 11 more transcripts); c.1741A>T, p.Lys581Ter (NM_001407653.1, NM_001407654.1, NM_001407655.1 and 4 more transcripts); c.1738A>T, p.Lys580Ter (NM_001407659.1, NM_001407660.1, NM_001407661.1 and 1 more transcripts); and 40 more; short protein forms K607*, K560*, K495*, K536*, K559*, K479*, K539*, K566*.
Identifiers: ClinVar variation 54358 (VCV000054358.5), dbSNP rs80357220, ClinGen allele CA001178.

ClinVar aggregate classification (germline): Pathogenic. Review status: reviewed by expert panel (3 of 4 stars). 3 submissions from 3 submitters: Pathogenic (1). 2 of the submissions do not count toward it. Last evaluated 2016-09-08.

Conditions:
Breast-ovarian cancer, familial, susceptibility to, 1 (BROVCA1). Also called: OVARIAN CANCER, SUSCEPTIBILITY TO; BRCA1 Hereditary Breast and Ovarian Cancer. Identifiers: Orphanet 145, MedGen C2676676, MONDO:0011450, OMIM 604370. Disease mechanism: loss of function.

Submissions (3):

Evidence-based Network for the Interpretation of Germline Mutant Alleles (ENIGMA)
Classification: Pathogenic for Breast-ovarian cancer, familial, susceptibility to, 1. Last evaluated: 2016-09-08. Review status: reviewed by expert panel. Criteria: ENIGMA BRCA1/2 Classification Criteria (2015). Collection method: curation. Allele origin: germline.
Comment: Variant allele predicted to encode a truncated non-functional protein.

Consortium of Investigators of Modifiers of BRCA1/2 (CIMBA), c/o University of Cambridge
Classification: Pathogenic for Breast-ovarian cancer, familial, susceptibility to, 1. Last evaluated: 2015-10-02. Review status: criteria provided, single submitter. Criteria: CIMBA Mutation Classification guidelines May 2016. Collection method: clinical testing. Allele origin: germline. Not counted in ClinVar's aggregate classification.

Breast Cancer Information Core (BIC) (BRCA1)
Classification: Pathogenic for Breast-ovarian cancer, familial 1. Last evaluated: 1999-12-29. Review status: no assertion criteria provided. Collection method: clinical testing. Allele origin: germline. Affected: yes. Observed: 3 variant alleles. Not counted in ClinVar's aggregate classification.